The following is an entry in ClinVar:

ClinVar aggregate classification (germline): Uncertain significance. Review status: criteria provided, multiple submitters, no conflicts (2 of 4 stars). 2 submissions from 2 submitters: Uncertain significance (2). Last evaluated 2025-06-18.

Conditions:
Intellectual developmental disorder, autosomal dominant 6, with or without seizures. Also called: Intellectual disability, autosomal dominant 6; GRIN2B-related developmental delay, intellectual disability and autism spectrum disorder. Identifiers: Orphanet 589547, MedGen C3151411, MONDO:0013509, OMIM 613970.
Developmental and epileptic encephalopathy, 27 (DEE27). Also called: Epileptic encephalopathy, early infantile, 27; GRIN2B-Related Neurodevelopmental Disorder. Identifiers: Orphanet 3451, MedGen C4015316, MONDO:0014505, OMIM 616139.

Submissions (2):

Labcorp Genetics (formerly Invitae), Labcorp
Classification: Uncertain significance for Developmental and epileptic encephalopathy, 27; Intellectual developmental disorder, autosomal dominant 6, with or without seizures. Last evaluated: 2025-06-18. Review status: criteria provided, single submitter. Criteria: Invitae Variant Classification Sherloc (09022015). Collection method: clinical testing. Allele origin: germline.
Comment: This sequence change replaces lysine, which is basic and polar, with arginine, which is basic and polar, at codon 327 of the GRIN2B protein (p.Lys327Arg). This variant is not present in population databases (gnomAD no frequency). This variant has not been reported in the literature in individuals affected with GRIN2B-related conditions. ClinVar contains an entry for this variant (Variation ID: 3253373). Invitae Evidence Modeling of protein sequence and biophysical properties (such as structural, functional, and spatial information, amino acid conservation, physicochemical variation, residue mobility, and thermodynamic stability) indicates that this missense variant is not expected to disrupt GRIN2B protein function with a negative predictive value of 95%. In summary, the available evidence is currently insufficient to determine the role of this variant in disease. Therefore, it has been classified as a Variant of Uncertain Significance.

GeneDx
Classification: Uncertain significance. Last evaluated: 2023-12-11. Review status: criteria provided, single submitter. Criteria: GeneDx Variant Classification Process June 2021. Collection method: clinical testing. Allele origin: germline. Affected: yes.
Comment: Not observed at significant frequency in large population cohorts (gnomAD); In silico analysis supports that this missense variant has a deleterious effect on protein structure/function; Has not been previously published as pathogenic or benign to our knowledge

NM_000834.5(GRIN2B):c.980A>G (p.Lys327Arg)

Gene: GRIN2B (glutamate ionotropic receptor NMDA type subunit 2B; minus strand). Cytogenetic location: 12p13.1.
Variant type: single nucleotide variant.
Coding change: c.980A>G on transcript NM_000834.5 (MANE Select); coding-DNA position 980, A replaced by G.
Protein change: p.Lys327Arg; replaces lysine 327 with arginine.
Molecular consequence: missense variant.
Genome position (GRCh38, 1-based): chr12:13,753,347, T>C on the plus strand (A>G on the coding strand, the complement: GRIN2B is on the minus strand). VCF-style: chr12-13753347-T-C. GRCh37 (hg19) VCF-style: chr12-13906281-T-C.
Other names: c.980A>G, p.Lys327Arg (NM_001413992.1, NM_001413993.1, NM_001413994.1 and 1 more transcripts); short protein forms K327R.
Identifiers: ClinVar variation 3253373 (VCV003253373.2), dbSNP rs2497776912.